The following is an entry in ClinVar:

NM_004247.4(EFTUD2):c.2110G>T (p.Val704Leu)

Gene: EFTUD2 (elongation factor Tu GTP binding domain containing 2; minus strand). Cytogenetic location: 17q21.31.
Variant type: single nucleotide variant.
Coding change: c.2110G>T on transcript NM_004247.4 (MANE Select); coding-DNA position 2110, G replaced by T.
Protein change: p.Val704Leu; replaces valine 704 with leucine.
Molecular consequence: missense variant.
Genome position (GRCh38, 1-based): chr17:44,854,940, C>A on the plus strand (G>T on the coding strand, the complement: EFTUD2 is on the minus strand). VCF-style: chr17-44854940-C-A. GRCh37 (hg19) VCF-style: chr17-42932308-C-A.
Other names: c.2005G>T, p.Val669Leu (NM_001142605.2); c.2110G>T, p.Val704Leu (NM_001258353.2); c.2080G>T, p.Val694Leu (NM_001258354.2); short protein forms V669L, V694L, V704L.
Identifiers: ClinVar variation 3363470 (VCV003363470.1).

ClinVar aggregate classification (germline): Uncertain significance (1 of 4 stars; one submission).

Submission:

GeneDx
Classification: Uncertain significance. Last evaluated: 2023-11-02. Review status: criteria provided, single submitter. Criteria: GeneDx Variant Classification Process June 2021. Collection method: clinical testing. Allele origin: germline. Affected: yes.
Comment: Not observed at significant frequency in large population cohorts (gnomAD); In silico analysis supports that this missense variant does not alter protein structure/function; Has not been previously published as pathogenic or benign to our knowledge